The following is an entry in ClinVar:

ClinVar aggregate classification (germline): Uncertain significance (1 of 4 stars; one submission).

Submission:

Labcorp Genetics (formerly Invitae), Labcorp
Classification: Uncertain significance. Last evaluated: 2022-04-01. Review status: criteria provided, single submitter. Criteria: Invitae Variant Classification Sherloc (09022015). Collection method: clinical testing. Allele origin: germline.
Comment: In summary, the available evidence is currently insufficient to determine the role of this variant in disease. Therefore, it has been classified as a Variant of Uncertain Significance. Advanced modeling of protein sequence and biophysical properties (such as structural, functional, and spatial information, amino acid conservation, physicochemical variation, residue mobility, and thermodynamic stability) performed at Invitae indicates that this missense variant is not expected to disrupt FAT4 protein function. This variant has not been reported in the literature in individuals affected with FAT4-related conditions. This variant is not present in population databases (gnomAD no frequency). This sequence change replaces threonine, which is neutral and polar, with asparagine, which is neutral and polar, at codon 4570 of the FAT4 protein (p.Thr4570Asn).

NM_001291303.3(FAT4):c.13715C>A (p.Thr4572Asn)

Gene: FAT4 (FAT atypical cadherin 4; plus strand). Cytogenetic location: 4q28.1.
Variant type: single nucleotide variant.
Coding change: c.13715C>A on transcript NM_001291303.3 (MANE Select); coding-DNA position 13715, C replaced by A.
Protein change: p.Thr4572Asn; replaces threonine 4572 with asparagine.
Molecular consequence: missense variant.
Genome position (GRCh38, 1-based): chr4:125,490,531, C>A. VCF-style: chr4-125490531-C-A. GRCh37 (hg19) VCF-style: chr4-126411686-C-A.
Other names: c.13712C>A, p.Thr4571Asn (NM_001291285.3); c.13709C>A, p.Thr4570Asn (NM_024582.6); short protein forms T4570N, T4571N, T4572N.
Identifiers: ClinVar variation 2089937 (VCV002089937.4), dbSNP rs2530084725, ClinGen allele CA358137836.